The following is an entry in ClinVar:

NM_015443.4(KANSL1):c.1391G>A (p.Arg464His)

Gene: KANSL1 (KAT8 regulatory NSL complex subunit 1). Cytogenetic location: 17q21.31.
Variant type: single nucleotide variant.
Coding change: c.1391G>A on transcript NM_015443.4 (MANE Select); coding-DNA position 1391, G replaced by A.
Protein change: p.Arg464His; replaces arginine 464 with histidine.
Molecular consequence: missense variant.
Genome position (GRCh38, 1-based): chr17:46,094,600, C>T on the plus strand (G>A on the coding strand, the complement: KANSL1 is on the minus strand). VCF-style: chr17-46094600-C-T. GRCh37 (hg19) VCF-style: chr17-44171966-C-T.
Other names: c.1391G>A, p.Arg464His (NM_001193465.2, NM_001193466.2, NM_001379198.1); short protein forms R464H.
Identifiers: ClinVar variation 1439744 (VCV001439744.6), dbSNP rs769289937, ClinGen allele CA8618840.

ClinVar aggregate classification (germline): Uncertain significance. Review status: criteria provided, multiple submitters, no conflicts (2 of 4 stars). 2 submissions from 2 submitters: Uncertain significance (2). Last evaluated 2021-10-05.

Conditions:
Koolen-de Vries syndrome (KDVS). Identifiers: Orphanet 96169, MedGen C1864871, MONDO:0012496, OMIM 610443.

Allele frequency attached by ClinVar (database versions not stated): ExAC 0.00001; gnomAD 0.00001; gnomAD exomes 0.00001; TOPMed 0.00002.
gnomAD v4.1: 14 of 1,613,732 alleles (0.00087%); highest among the groups gnomAD compares: Non-Finnish European, 0.0012%; no homozygotes.

Submissions (2):

Fulgent Genetics
Classification: Uncertain significance for Koolen-de Vries syndrome. Last evaluated: 2021-10-05. Review status: criteria provided, single submitter. Criteria: ACMG Guidelines, 2015. Collection method: clinical testing. Allele origin: unknown.

Labcorp Genetics (formerly Invitae), Labcorp
Classification: Uncertain significance for Koolen-de Vries syndrome. Last evaluated: 2021-09-17. Review status: criteria provided, single submitter. Criteria: Invitae Variant Classification Sherloc (09022015). Collection method: clinical testing. Allele origin: germline.
Comment: Due to the possible presence of a polymorphic segmental duplication, the location of the variant could not be unambiguously resolved. Variants with ambiguous mapping are still reported relative to the KANSL1 transcript. This sequence change replaces arginine with histidine at codon 464 of the KANSL1 protein (p.Arg464His). The arginine residue is highly conserved and there is a small physicochemical difference between arginine and histidine. The frequency data for this variant in the population databases (ExAC) is considered unreliable due to the presence of homologous sequence, such as pseudogenes or paralogs, in the genome. This variant has not been reported in the literature in individuals with KANSL1-related conditions. Algorithms developed to predict the effect of missense changes on protein structure and function (SIFT, PolyPhen-2, Align-GVGD) all suggest that this variant is likely to be disruptive. Until the location of this sequence change can be resolved, the clinical significance of this variant remains uncertain. It has been classified as a Variant of Uncertain Significance.